The following is an entry in ClinVar:

NM_004836.7(EIF2AK3):c.1037A>G (p.Lys346Arg)

Gene: EIF2AK3 (eukaryotic translation initiation factor 2 alpha kinase 3; minus strand). Cytogenetic location: 2p11.2.
Variant type: single nucleotide variant.
Coding change: c.1037A>G on transcript NM_004836.7 (MANE Select); coding-DNA position 1037, A replaced by G.
Protein change: p.Lys346Arg; replaces lysine 346 with arginine.
Molecular consequence: missense variant.
Genome position (GRCh38, 1-based): chr2:88,590,571, T>C on the plus strand (A>G on the coding strand, the complement: EIF2AK3 is on the minus strand). VCF-style: chr2-88590571-T-C. GRCh37 (hg19) VCF-style: chr2-88890089-T-C.
Other names: c.584A>G, p.Lys195Arg (NM_001313915.2); c.1037A>G (NM_004836.6); short protein forms K346R, K195R.
Identifiers: ClinVar variation 1424813 (VCV001424813.6), dbSNP rs200315616, ClinGen allele CA1754778.

ClinVar aggregate classification (germline): Conflicting classifications of pathogenicity. Review status: criteria provided, conflicting classifications (1 of 4 stars). 3 submissions from 3 submitters: Uncertain significance (1); Likely benign (1). 1 of the submissions does not count toward it. Last evaluated 2024-12-16.

Conditions:
EIF2AK3-related disorder. Also called: EIF2AK3-related condition.
Wolcott-Rallison dysplasia. Also called: Wolcott-Rallison syndrome; MED-IDDM SYNDROME. Identifiers: Orphanet 1667, MedGen C0432217, MONDO:0009192, OMIM 226980.

Allele frequency attached by ClinVar (database versions not stated): 1000 Genomes Project 30x 0.00016; 1000 Genomes Project 0.00020.
gnomAD v4.1: 32 of 1,613,380 alleles (0.002%); highest among the groups gnomAD compares: African/African-American, 0.029%; no homozygotes.

Submissions (3):

Labcorp Genetics (formerly Invitae), Labcorp
Classification: Uncertain significance. Last evaluated: 2024-12-16. Review status: criteria provided, single submitter. Criteria: Invitae Variant Classification Sherloc (09022015). Collection method: clinical testing. Allele origin: germline.
Comment: This sequence change replaces lysine, which is basic and polar, with arginine, which is basic and polar, at codon 346 of the EIF2AK3 protein (p.Lys346Arg). This variant is present in population databases (rs200315616, gnomAD 0.01%). This variant has not been reported in the literature in individuals affected with EIF2AK3-related conditions. ClinVar contains an entry for this variant (Variation ID: 1424813). An algorithm developed to predict the effect of missense changes on protein structure and function outputs the following: PolyPhen-2: "Benign". The arginine amino acid residue is found in multiple mammalian species, which suggests that this missense change does not adversely affect protein function. In summary, the available evidence is currently insufficient to determine the role of this variant in disease. Therefore, it has been classified as a Variant of Uncertain Significance.

3billion
Classification: Likely benign for Wolcott-Rallison dysplasia. Last evaluated: 2024-09-20. Review status: criteria provided, single submitter. Criteria: ACMG Guidelines, 2015. Collection method: clinical testing. Allele origin: germline. Affected: no.
Comment: The homozygous variant was found in patients diagnosed with another variant in a different gene, with no symptoms related to the gene containing the homozygous variant.

PreventionGenetics, part of Exact Sciences
Classification: Uncertain significance for EIF2AK3-related condition. Last evaluated: 2024-01-30. Review status: no assertion criteria provided. Collection method: clinical testing. Allele origin: germline. Not counted in ClinVar's aggregate classification.
Comment: The EIF2AK3 c.1037A>G variant is predicted to result in the amino acid substitution p.Lys346Arg. To our knowledge, this variant has not been reported in the literature. This variant is reported in 0.012% of alleles in individuals of African descent in gnomAD. At this time, the clinical significance of this variant is uncertain due to the absence of conclusive functional and genetic evidence.